The following is an entry in ClinVar:

ClinVar aggregate classification (germline): Uncertain significance (1 of 4 stars; one submission).

Conditions:
Cardiovascular phenotype. Identifiers: MedGen CN230736.

gnomAD v4.1: 1 of 1,614,110 alleles (0.000062%); highest among the groups gnomAD compares: Non-Finnish European, 0.000085%; no homozygotes.

Submission:

Ambry Genetics
Classification: Uncertain significance for Cardiovascular phenotype. Last evaluated: 2026-04-12. Review status: criteria provided, single submitter. Criteria: Ambry Variant Classification Scheme 2023. Collection method: clinical testing. Allele origin: germline.
Comment: The p.P945L variant (also known as c.2834C>T), located in coding exon 6 of the ALPK3 gene, results from a C to T substitution at nucleotide position 2834. The proline at codon 945 is replaced by leucine, an amino acid with similar properties. This amino acid position is conserved. In addition, this alteration is predicted to be tolerated by in silico analysis. Based on the available evidence, the clinical significance of this variant remains unclear.

NM_020778.5(ALPK3):c.2228C>T (p.Pro743Leu)

Gene: ALPK3 (alpha kinase 3; plus strand). Cytogenetic location: 15q25.3.
Variant type: single nucleotide variant.
Coding change: c.2228C>T on transcript NM_020778.5 (MANE Select); coding-DNA position 2228, C replaced by T.
Protein change: p.Pro743Leu; replaces proline 743 with leucine.
Molecular consequence: missense variant.
Genome position (GRCh38, 1-based): chr15:84,856,966, C>T. VCF-style: chr15-84856966-C-T. GRCh37 (hg19) VCF-style: chr15-85400197-C-T.
Other names: short protein forms P743L.
Identifiers: ClinVar variation 4871237 (VCV004871237.1).